The following is an entry in ClinVar:

ClinVar aggregate classification (germline): Uncertain significance (1 of 4 stars; one submission).

Allele frequency attached by ClinVar (database versions not stated): gnomAD exomes 0.00001; TOPMed 0.00002.

Submission:

Labcorp Genetics (formerly Invitae), Labcorp
Classification: Uncertain significance. Last evaluated: 2022-09-27. Review status: criteria provided, single submitter. Criteria: Invitae Variant Classification Sherloc (09022015). Collection method: clinical testing. Allele origin: germline.
Comment: Advanced modeling of protein sequence and biophysical properties (such as structural, functional, and spatial information, amino acid conservation, physicochemical variation, residue mobility, and thermodynamic stability) performed at Invitae indicates that this missense variant is not expected to disrupt GPR143 protein function. ClinVar contains an entry for this variant (Variation ID: 1366075). This variant has not been reported in the literature in individuals affected with GPR143-related conditions. This variant is not present in population databases (gnomAD no frequency). This sequence change replaces glycine, which is neutral and non-polar, with arginine, which is basic and polar, at codon 354 of the GPR143 protein (p.Gly354Arg). In summary, the available evidence is currently insufficient to determine the role of this variant in disease. Therefore, it has been classified as a Variant of Uncertain Significance. Algorithms developed to predict the effect of sequence changes on RNA splicing suggest that this variant may create or strengthen a splice site.

NM_000273.3(GPR143):c.1060G>A (p.Gly354Arg)

Gene: GPR143 (G protein-coupled receptor 143; minus strand). Cytogenetic location: Xp22.2.
Variant type: single nucleotide variant.
Coding change: c.1060G>A on transcript NM_000273.3 (MANE Select); coding-DNA position 1060, G replaced by A.
Protein change: p.Gly354Arg; replaces glycine 354 with arginine.
Molecular consequence: missense variant.
Genome position (GRCh38, 1-based): chrX:9,739,545, C>T on the plus strand (G>A on the coding strand, the complement: GPR143 is on the minus strand). VCF-style: chrX-9739545-C-T. GRCh37 (hg19) VCF-style: chrX-9707585-C-T.
Other names: short protein forms G354R.
Identifiers: ClinVar variation 1366075 (VCV001366075.6), dbSNP rs773371296, ClinGen allele CA326091884.